The following is an entry in ClinVar:

NM_153704.6(TMEM67):c.1233G>A (p.Leu411=)

Gene: TMEM67 (transmembrane protein 67; plus strand). Cytogenetic location: 8q22.1.
Variant type: single nucleotide variant.
Coding change: c.1233G>A on transcript NM_153704.6 (MANE Select); coding-DNA position 1233, G replaced by A.
Protein change: p.Leu411=; no amino-acid change (leucine 411 retained).
Molecular consequence: synonymous variant. On other transcripts: non-coding transcript variant (1).
Genome position (GRCh38, 1-based): chr8:93,785,323, G>A. VCF-style: chr8-93785323-G-A. GRCh37 (hg19) VCF-style: chr8-94797551-G-A.
Other names: c.990G>A, p.Leu330= (NM_001142301.1).
Identifiers: ClinVar variation 4997366 (VCV004997366.1).
Genomic context (GRCh38, chr8:93,785,323, plus strand): 5'-TCCTATATTTTATGATGTGTACCTTGAATATACTGATGAAAATCAACATCAATATATTTT[G>A]GCTGTGCCTGTGTTAAACCTAAATCTTCAACATAATAAGATATTTGTGAACCAAGGTAAG-3'
Protein context (NP_714915.3, residues 401-421): YTDENQHQYI[Leu411=]AVPVLNLNLQ

ClinVar aggregate classification (germline): Uncertain significance (1 of 4 stars; one submission).

Conditions:
TMEM67-related disorder. Also called: TMEM67-related disorders; TMEM67-related condition. Identifiers: MedGen CN239423.

gnomAD v4.1: 1 of 1,609,192 alleles (0.000062%); highest among the groups gnomAD compares: African/African-American, 0.0013%; no homozygotes.

Submission:

PreventionGenetics, part of Exact Sciences
Classification: Uncertain significance for TMEM67-related condition. Last evaluated: 2025-05-07. Review status: criteria provided, single submitter. Criteria: ACMG Guidelines, 2015. Collection method: clinical testing. Allele origin: germline.
Comment: The TMEM67 c.1233G>A variant is not predicted to result in an amino acid change (p.=). This variant is predicted to impact splicing based on a splicing prediction program (SpliceAI, Jaganathan K, et al. 2019. PubMed ID: 30661751). To our knowledge, this variant has not been reported in the literature. This variant is reported in 0.0062% of alleles in individuals of African descent in gnomAD. At this time, the clinical significance of this variant is uncertain due to the absence of conclusive functional and genetic evidence.